The following is an entry in ClinVar:

ClinVar aggregate classification (germline): Likely pathogenic. Review status: criteria provided, multiple submitters, no conflicts (2 of 4 stars). 3 submissions from 3 submitters: Likely pathogenic (3). Last evaluated 2024-02-01.

Conditions:
Nephrotic syndrome, type 2 (NPHS2). Also called: NEPHROTIC SYNDROME, STEROID-RESISTANT, AUTOSOMAL RECESSIVE. Identifiers: Orphanet 656, MedGen C1868672, MONDO:0010974, OMIM 600995.

Submissions (3):

Laboratory of Medical Genetics, National & Kapodistrian University of Athens
Classification: Likely pathogenic for Nephrotic syndrome, type 2. Last evaluated: 2024-02-01. Review status: criteria provided, single submitter. Criteria: ACMG Guidelines, 2015. Collection method: curation. Allele origin: germline. Affected: no.

3billion
Classification: Likely pathogenic for Nephrotic syndrome, type 2. Last evaluated: 2023-12-04. Review status: criteria provided, single submitter. Criteria: ACMG Guidelines, 2015. Collection method: clinical testing. Allele origin: germline. Affected: yes.
Comment: The variant is not observed in the gnomAD v2.1.1 dataset. Predicted Consequence/Location: Frameshift: predicted to result in a loss or disruption of normal protein function through protein truncation. The predicted truncated protein may be shortened by more than 10%. Therefore, this variant is classified as Likely pathogenic according to the recommendation of ACMG/AMP guideline.

Baylor Genetics
Classification: Likely pathogenic for Nephrotic syndrome, type 2. Last evaluated: 2023-03-15. Review status: criteria provided, single submitter. Criteria: ACMG Guidelines, 2015. Collection method: clinical testing. Allele origin: unknown.

NM_014625.4(NPHS2):c.896del (p.Lys299fs)

Genes: AXDND1 (axonemal dynein light chain domain containing 1; plus strand), NPHS2 (NPHS2 stomatin family member, podocin; minus strand). Cytogenetic location: 1q25.2.
Variant type: Deletion.
Coding change: c.896del on transcript NM_014625.4 (MANE Select); coding-DNA position 896, one base deleted (A; older notation c.896delA).
Protein change: p.Lys299fs; shifts the reading frame from lysine 299.
Molecular consequence: frameshift variant. On other transcripts: intron variant (1).
Genome position (GRCh38, 1-based): chr1:179,551,429, T deleted on the plus strand (A on the coding strand, the reverse complement: NPHS2 is on the minus strand); the first of 4 consecutive T bases (chr1:179,551,429-179,551,432); deleting any one gives the same sequence. VCF-style (leftmost placement, unchanged base first): chr1-179551428-CT-C. GRCh37 (hg19) VCF-style: chr1-179520563-CT-C.
Other names: c.692del, p.Lys231fs (NM_001297575.2); c.3032-3080del (NM_144696.6); short protein forms K231fs, K299fs.
Identifiers: ClinVar variation 2677348 (VCV002677348.3), dbSNP rs2526152738, ClinGen allele CA2695199919.